The following is an entry in ClinVar:

NM_000142.5(FGFR3):c.903C>T (p.Asp301=)

Gene: FGFR3 (fibroblast growth factor receptor 3; plus strand). Cytogenetic location: 4p16.3.
Variant type: single nucleotide variant.
Coding change: c.903C>T on transcript NM_000142.5 (MANE Select); coding-DNA position 903, C replaced by T.
Protein change: p.Asp301=; no amino-acid change (aspartic acid 301 retained).
Molecular consequence: synonymous variant. On other transcripts: non-coding transcript variant (1).
Genome position (GRCh38, 1-based): chr4:1,801,998, C>T. VCF-style: chr4-1801998-C-T. GRCh37 (hg19) VCF-style: chr4-1803725-C-T.
Other names: c.903C>T (NM_000142.4); c.903C>T, p.Asp301= (NM_001163213.2, NM_001354809.2, NM_001354810.2 and 1 more transcripts).
Identifiers: ClinVar variation 1680041 (VCV001680041.12), dbSNP rs377588489, ClinGen allele CA2810007.

ClinVar aggregate classification (germline): Likely benign. Review status: criteria provided, multiple submitters, no conflicts (2 of 4 stars). 4 submissions from 4 submitters: Likely benign (3). 1 of the submissions does not count toward it. Last evaluated 2026-02-02.

Conditions:
FGFR3-related disorder. Also called: FGFR3-related disorders.

Allele frequency attached by ClinVar (database versions not stated): TOPMed 0.00004; gnomAD 0.00006; ESP Exome Variant Server 0.00008.
gnomAD v4.1: 28 of 1,612,396 alleles (0.0017%); highest among the groups gnomAD compares: East Asian, 0.011%; 1 homozygote.

Submissions (4):

Labcorp Genetics (formerly Invitae), Labcorp
Classification: Likely benign. Last evaluated: 2026-02-02. Review status: criteria provided, single submitter. Criteria: Invitae Variant Classification Sherloc (09022015). Collection method: clinical testing. Allele origin: germline.

Laboratory of Genetics, Children's Clinical University Hospital Latvia
Classification: Likely benign. Last evaluated: 2025-02-16. Review status: criteria provided, single submitter. Criteria: ACMG Guidelines, 2015. Collection method: clinical testing. Allele origin: germline. Affected: yes.

Blueprint Genetics
Classification: Likely benign. Last evaluated: 2024-09-18. Review status: criteria provided, single submitter. Criteria: ACMG Guidelines, 2015. Collection method: clinical testing. Allele origin: germline.

PreventionGenetics, part of Exact Sciences
Classification: Likely benign for FGFR3-related condition. Last evaluated: 2019-03-28. Review status: no assertion criteria provided. Collection method: clinical testing. Allele origin: germline. Not counted in ClinVar's aggregate classification.
Comment: This variant is classified as likely benign based on ACMG/AMP sequence variant interpretation guidelines (Richards et al. 2015 PMID: 25741868, with internal and published modifications).